The following is an entry in ClinVar:

NM_004595.5(SMS):c.673G>C (p.Val225Leu)

Gene: SMS (spermine synthase; plus strand). Cytogenetic location: Xp22.11.
Variant type: single nucleotide variant.
Coding change: c.673G>C on transcript NM_004595.5 (MANE Select); coding-DNA position 673, G replaced by C.
Protein change: p.Val225Leu; replaces valine 225 with leucine.
Molecular consequence: missense variant.
Genome position (GRCh38, 1-based): chrX:21,978,889, G>C. VCF-style: chrX-21978889-G-C. GRCh37 (hg19) VCF-style: chrX-21997007-G-C.
Other names: c.514G>C, p.Val172Leu (NM_001258423.2); short protein forms V172L, V225L.
Identifiers: ClinVar variation 3363298 (VCV003363298.1).

ClinVar aggregate classification (germline): Uncertain significance (1 of 4 stars; one submission).

Submission:

GeneDx
Classification: Uncertain significance. Last evaluated: 2023-10-23. Review status: criteria provided, single submitter. Criteria: GeneDx Variant Classification Process June 2021. Collection method: clinical testing. Allele origin: germline. Affected: yes.
Comment: Not observed at significant frequency in large population cohorts (gnomAD); In silico analysis supports that this missense variant has a deleterious effect on protein structure/function; Has not been previously published as pathogenic or benign to our knowledge